The following is an entry in ClinVar:

ClinVar aggregate classification (germline): Benign/Likely benign. Review status: criteria provided, multiple submitters, no conflicts (2 of 4 stars). 3 submissions from 3 submitters: Benign (1); Likely benign (2). Last evaluated 2024-11-05.

Conditions:
Multiple endocrine neoplasia, type 1 (MEN1). Also called: MEN I; WERMER SYNDROME; Endocrine adenomatosis multiple; MEN 1; MEA I. Identifiers: Orphanet 652, MedGen C0025267, MeSH D018761, MONDO:0007540, OMIM 131100.
Hereditary cancer-predisposing syndrome. Also called: Neoplastic Syndromes, Hereditary; Hereditary Cancer Syndrome; Tumor predisposition; Hereditary neoplastic syndrome. Identifiers: Orphanet 140162, MedGen C0027672, MeSH D009386, MONDO:0015356.

Submissions (3):

Myriad Genetics, Inc.
Classification: Benign for Multiple endocrine neoplasia, type 1. Last evaluated: 2024-11-05. Review status: criteria provided, single submitter. Criteria: Myriad Autosomal Dominant, Autosomal Recessive and X-Linked Classification Criteria (2023). Collection method: clinical testing. Allele origin: unknown.
Comment: This variant is considered benign. This variant is a silent/synonymous amino acid change and it is not expected to impact splicing.

Ambry Genetics
Classification: Likely benign for Hereditary cancer-predisposing syndrome. Last evaluated: 2023-12-14. Review status: criteria provided, single submitter. Criteria: Ambry Variant Classification Scheme 2023. Collection method: clinical testing. Allele origin: germline.

Labcorp Genetics (formerly Invitae), Labcorp
Classification: Likely benign for Multiple endocrine neoplasia, type 1. Last evaluated: 2021-07-19. Review status: criteria provided, single submitter. Criteria: Invitae Variant Classification Sherloc (09022015). Collection method: clinical testing. Allele origin: germline.

NM_001370259.2(MEN1):c.1479G>T (p.Pro493=)

Gene: MEN1 (menin 1; minus strand). Cytogenetic location: 11q13.1.
Variant type: single nucleotide variant.
Coding change: c.1479G>T on transcript NM_001370259.2 (MANE Select); coding-DNA position 1479, G replaced by T.
Protein change: p.Pro493=; no amino-acid change (proline 493 retained).
Molecular consequence: synonymous variant.
Genome position (GRCh38, 1-based): chr11:64,804,688, C>A on the plus strand (G>T on the coding strand, the complement: MEN1 is on the minus strand). VCF-style: chr11-64804688-C-A. GRCh37 (hg19) VCF-style: chr11-64572160-C-A.
Other names: c.1479G>T, p.Pro493= (NM_001370261.2, NM_130799.3, NM_001370260.2); c.1374G>T, p.Pro458= (NM_001370262.2, NM_001370263.2); c.1494G>T, p.Pro498= (NM_130800.3, NM_130801.3, NM_130802.3 and 3 more transcripts); c.1605G>T, p.Pro535= (NM_001370251.2).
Identifiers: ClinVar variation 798612 (VCV000798612.11), dbSNP rs546721780, ClinGen allele CA475163169.